The following is an entry in ClinVar:

ClinVar aggregate classification (germline): Uncertain significance (1 of 4 stars; one submission).

Conditions:
Congenital myasthenic syndrome 12 (CMS12). Also called: MYASTHENIC SYNDROME, CONGENITAL, WITH TUBULAR AGGREGATES 1; Myasthenia, congenital, 12, with tubular aggregates. Identifiers: Orphanet 353327, Orphanet 590, MedGen C3552335, MONDO:0012518, OMIM 610542.

gnomAD v4.1: 5 of 1,613,856 alleles (0.00031%); highest among the groups gnomAD compares: Non-Finnish European, 0.00042%; no homozygotes.

Submission:

Labcorp Genetics (formerly Invitae), Labcorp
Classification: Uncertain significance for Congenital myasthenic syndrome 12. Last evaluated: 2024-03-02. Review status: criteria provided, single submitter. Criteria: Invitae Variant Classification Sherloc (09022015). Collection method: clinical testing. Allele origin: germline.
Comment: This sequence change replaces valine, which is neutral and non-polar, with leucine, which is neutral and non-polar, at codon 105 of the GFPT1 protein (p.Val105Leu). This variant is present in population databases (no rsID available, gnomAD 0.002%). This variant has not been reported in the literature in individuals affected with GFPT1-related conditions. Advanced modeling of protein sequence and biophysical properties (such as structural, functional, and spatial information, amino acid conservation, physicochemical variation, residue mobility, and thermodynamic stability) performed at Invitae indicates that this missense variant is not expected to disrupt GFPT1 protein function with a negative predictive value of 80%. In summary, the available evidence is currently insufficient to determine the role of this variant in disease. Therefore, it has been classified as a Variant of Uncertain Significance.

NM_001244710.2(GFPT1):c.313G>C (p.Val105Leu)

Gene: GFPT1 (glutamine--fructose-6-phosphate transaminase 1; minus strand). Cytogenetic location: 2p13.3.
Variant type: single nucleotide variant.
Coding change: c.313G>C on transcript NM_001244710.2 (MANE Select); coding-DNA position 313, G replaced by C.
Protein change: p.Val105Leu; replaces valine 105 with leucine.
Molecular consequence: missense variant.
Genome position (GRCh38, 1-based): chr2:69,363,581, C>G on the plus strand (G>C on the coding strand, the complement: GFPT1 is on the minus strand). VCF-style: chr2-69363581-C-G. GRCh37 (hg19) VCF-style: chr2-69590713-C-G.
Other names: c.313G>C, p.Val105Leu (NM_002056.4); short protein forms V105L.
Identifiers: ClinVar variation 3622116 (VCV003622116.2).